The following is an entry in ClinVar:

NM_005883.3(APC2):c.6046T>G (p.Ser2016Ala)

Gene: APC2 (APC regulator of Wnt signaling pathway 2; plus strand). Cytogenetic location: 19p13.3.
Variant type: single nucleotide variant.
Coding change: c.6046T>G on transcript NM_005883.3 (MANE Select); coding-DNA position 6046, T replaced by G.
Protein change: p.Ser2016Ala; replaces serine 2016 with alanine.
Molecular consequence: missense variant.
Genome position (GRCh38, 1-based): chr19:1,469,347, T>G. VCF-style: chr19-1469347-T-G. GRCh37 (hg19) VCF-style: chr19-1469346-T-G.
Other names: c.6043T>G, p.Ser2015Ala (NM_001351273.1); short protein forms S2015A, S2016A.
Identifiers: ClinVar variation 2003556 (VCV002003556.4), dbSNP rs1257595909, ClinGen allele CA403042434.

ClinVar aggregate classification (germline): Uncertain significance (1 of 4 stars; one submission).

gnomAD v4.1: 1 of 1,344,338 alleles (0.000074%); highest among the groups gnomAD compares: Admixed American, 0.003%; no homozygotes.

Submission:

Labcorp Genetics (formerly Invitae), Labcorp
Classification: Uncertain significance. Last evaluated: 2022-06-14. Review status: criteria provided, single submitter. Criteria: Invitae Variant Classification Sherloc (09022015). Collection method: clinical testing. Allele origin: germline.
Comment: This sequence change replaces serine, which is neutral and polar, with alanine, which is neutral and non-polar, at codon 2016 of the APC2 protein (p.Ser2016Ala). This variant is present in population databases (no rsID available, gnomAD 0.01%). This variant has not been reported in the literature in individuals affected with APC2-related conditions. Algorithms developed to predict the effect of missense changes on protein structure and function output the following: SIFT: "Tolerated"; PolyPhen-2: "Benign"; Align-GVGD: "Class C0". The alanine amino acid residue is found in multiple mammalian species, which suggests that this missense change does not adversely affect protein function. In summary, the available evidence is currently insufficient to determine the role of this variant in disease. Therefore, it has been classified as a Variant of Uncertain Significance.